The following is an entry in ClinVar:

NM_017757.3(ZNF407):c.1534G>A (p.Gly512Arg)

Gene: ZNF407 (zinc finger protein 407; plus strand). Cytogenetic location: 18q22.3.
Variant type: single nucleotide variant.
Coding change: c.1534G>A on transcript NM_017757.3 (MANE Select); coding-DNA position 1534, G replaced by A.
Protein change: p.Gly512Arg; replaces glycine 512 with arginine.
Molecular consequence: missense variant.
Genome position (GRCh38, 1-based): chr18:74,632,553, G>A. VCF-style: chr18-74632553-G-A. GRCh37 (hg19) VCF-style: chr18-72344509-G-A.
Other names: c.1534G>A, p.Gly512Arg (NM_001146189.1, NM_001146190.1, NM_001384475.1); short protein forms G512R.
Identifiers: ClinVar variation 130815 (VCV000130815.9), dbSNP rs7227263, ClinGen allele CA156113.

ClinVar aggregate classification (germline): Benign. Review status: criteria provided, multiple submitters, no conflicts (2 of 4 stars). 3 submissions from 3 submitters: Benign (2). 1 of the submissions does not count toward it. Last evaluated 2021-08-11.

Allele frequency attached by ClinVar (database versions not stated): 1000 Genomes Project 0.06769; 1000 Genomes Project 30x 0.07152; gnomAD exomes 0.09350 and 0.12483; ExAC 0.09695; TOPMed 0.10657; gnomAD 0.11099 and 0.11518; ESP Exome Variant Server 0.12568.
gnomAD v4.1: 198,378 of 1,613,912 alleles (12%); highest among the groups gnomAD compares: Non-Finnish European, 14%; 13,450 homozygotes.

Submissions (3):

GeneDx
Classification: Benign. Last evaluated: 2021-08-11. Review status: criteria provided, single submitter. Criteria: GeneDx Variant Classification Process June 2021. Collection method: clinical testing. Allele origin: germline. Affected: yes.

Breakthrough Genomics
Classification: Benign. Review status: criteria provided, single submitter. Criteria: ACMG Guidelines, 2015. Collection method: not provided. Allele origin: germline. Inheritance: Autosomal recessive inheritance. Affected: yes.

Genetic Services Laboratory, University of Chicago
Classification: Likely benign for AllHighlyPenetrant. Review status: no assertion criteria provided. Collection method: clinical testing. Allele origin: germline. Inheritance: Autosomal dominant inheritance. Not counted in ClinVar's aggregate classification.
Comment: Likely benign based on allele frequency in 1000 Genomes Project or ESP global frequency and its presence in a patient with a rare or unrelated disease phenotype. NOT Sanger confirmed.